The following is an entry in ClinVar:

NM_000038.6(APC):c.4313C>T (p.Thr1438Ile)

Gene: APC (APC regulator of Wnt signaling pathway; plus strand). Cytogenetic location: 5q22.2.
Variant type: single nucleotide variant.
Coding change: c.4313C>T on transcript NM_000038.6 (MANE Select); coding-DNA position 4313, C replaced by T.
Protein change: p.Thr1438Ile; replaces threonine 1438 with isoleucine.
Molecular consequence: missense variant.
Genome position (GRCh38, 1-based): chr5:112,839,907, C>T. VCF-style: chr5-112839907-C-T. GRCh37 (hg19) VCF-style: chr5-112175604-C-T.
Other names: c.4313C>T, p.Thr1438Ile (NM_001127510.3, NM_001354895.2); c.4259C>T, p.Thr1420Ile (NM_001127511.3); c.4367C>T, p.Thr1456Ile (NM_001354896.2); c.4343C>T, p.Thr1448Ile (NM_001354897.2); c.4238C>T, p.Thr1413Ile (NM_001354898.2); c.4229C>T, p.Thr1410Ile (NM_001354899.2); c.4190C>T, p.Thr1397Ile (NM_001354900.2); c.4136C>T, p.Thr1379Ile (NM_001354901.2); and 5 more; short protein forms T1155I, T1278I, T1312I, T1337I, T1347I, T1379I, T1397I, T1410I.
Identifiers: ClinVar variation 1317452 (VCV001317452.6), dbSNP rs2149911432, ClinGen allele CA16030788.

ClinVar aggregate classification (germline): Uncertain significance. Review status: criteria provided, multiple submitters, no conflicts (2 of 4 stars). 3 submissions from 3 submitters: Uncertain significance (3). Last evaluated 2025-09-07.

Conditions:
Hereditary cancer-predisposing syndrome. Also called: Hereditary neoplastic syndrome; Neoplastic Syndromes, Hereditary; Tumor predisposition; Hereditary Cancer Syndrome. Identifiers: Orphanet 140162, MedGen C0027672, MeSH D009386, MONDO:0015356.
Familial adenomatous polyposis 1 (FAP1). Also called: POLYPOSIS, ADENOMATOUS INTESTINAL; FAMILIAL ADENOMATOUS POLYPOSIS 1, ATTENUATED. Identifiers: MedGen C2713442, MONDO:0021056, OMIM 175100. Disease mechanism: loss of function.

Submissions (3):

Ambry Genetics
Classification: Uncertain significance for Hereditary cancer-predisposing syndrome. Last evaluated: 2025-09-07. Review status: criteria provided, single submitter. Criteria: Ambry Variant Classification Scheme 2023. Collection method: clinical testing. Allele origin: germline.
Comment: The p.T1438I variant (also known as c.4313C>T), located in coding exon 15 of the APC gene, results from a C to T substitution at nucleotide position 4313. The threonine at codon 1438 is replaced by isoleucine, an amino acid with similar properties. This amino acid position is conserved. In addition, in silico predictors for this gene do not accurately predict pathogenicity. Based on the available evidence, the clinical significance of this variant remains unclear.

Labcorp Genetics (formerly Invitae), Labcorp
Classification: Uncertain significance for Familial adenomatous polyposis 1. Last evaluated: 2024-07-18. Review status: criteria provided, single submitter. Criteria: Invitae Variant Classification Sherloc (09022015). Collection method: clinical testing. Allele origin: germline.
Comment: This sequence change replaces threonine, which is neutral and polar, with isoleucine, which is neutral and non-polar, at codon 1438 of the APC protein (p.Thr1438Ile). This variant is not present in population databases (gnomAD no frequency). This variant has not been reported in the literature in individuals affected with APC-related conditions. ClinVar contains an entry for this variant (Variation ID: 1317452). Advanced modeling of protein sequence and biophysical properties (such as structural, functional, and spatial information, amino acid conservation, physicochemical variation, residue mobility, and thermodynamic stability) performed at Invitae indicates that this missense variant is not expected to disrupt APC protein function with a negative predictive value of 95%. In summary, the available evidence is currently insufficient to determine the role of this variant in disease. Therefore, it has been classified as a Variant of Uncertain Significance.

GeneDx
Classification: Uncertain significance. Last evaluated: 2022-09-30. Review status: criteria provided, single submitter. Criteria: GeneDx Variant Classification Process June 2021. Collection method: clinical testing. Allele origin: germline. Affected: yes.
Comment: Not observed at significant frequency in large population cohorts (gnomAD); In silico analysis supports that this missense variant has a deleterious effect on protein structure/function; Has not been previously published as pathogenic or benign to our knowledge; This variant is associated with the following publications: (PMID: 18199528)